The following is an entry in ClinVar:

ClinVar aggregate classification (germline): Uncertain significance. Review status: criteria provided, multiple submitters, no conflicts (2 of 4 stars). 4 submissions from 4 submitters: Uncertain significance (3). 1 of the submissions does not count toward it. Last evaluated 2026-02-27.

Conditions:
Nephronophthisis 15 (NPHP15). Identifiers: Orphanet 3156, MedGen C3541853, MONDO:0013917, OMIM 614845.
CEP164-related disorder. Also called: CEP164-related condition.
Retinal dystrophy. Also called: Inherited retinal dystrophy. Identifiers: Orphanet 71862, MedGen C0854723, MeSH D058499, MONDO:0019118, HP:0000556.

Allele frequency attached by ClinVar (database versions not stated): gnomAD exomes 0.00002 and 0.00005; TOPMed 0.00002; gnomAD 0.00003; ExAC 0.00005; ESP Exome Variant Server 0.00015.
gnomAD v4.1: 34 of 1,611,534 alleles (0.0021%); highest among the groups gnomAD compares: Non-Finnish European, 0.0025%; no homozygotes.

Submissions (4):

PreventionGenetics, part of Exact Sciences
Classification: Uncertain significance for CEP164-related condition. Last evaluated: 2026-02-27. Review status: criteria provided, single submitter. Criteria: ACMG Guidelines, 2015. Collection method: clinical testing. Allele origin: germline.
Comment: The CEP164 c.2326C>T variant is predicted to result in the amino acid substitution p.Arg776Trp. To our knowledge, this variant has not been reported in the literature. This variant is reported in 0.0086% of alleles in individuals of European (Non-Finnish) descent in gnomAD. At this time, the clinical significance of this variant is uncertain due to the absence of conclusive functional and genetic evidence.

Blueprint Genetics
Classification: Uncertain significance. Last evaluated: 2024-08-06. Review status: criteria provided, single submitter. Criteria: ACMG Guidelines, 2015. Collection method: clinical testing. Allele origin: germline.

Labcorp Genetics (formerly Invitae), Labcorp
Classification: Uncertain significance for Nephronophthisis 15. Last evaluated: 2023-08-04. Review status: criteria provided, single submitter. Criteria: Invitae Variant Classification Sherloc (09022015). Collection method: clinical testing. Allele origin: germline.
Comment: In summary, the available evidence is currently insufficient to determine the role of this variant in disease. Therefore, it has been classified as a Variant of Uncertain Significance. Advanced modeling of protein sequence and biophysical properties (such as structural, functional, and spatial information, amino acid conservation, physicochemical variation, residue mobility, and thermodynamic stability) performed at Invitae indicates that this missense variant is not expected to disrupt CEP164 protein function. ClinVar contains an entry for this variant (Variation ID: 1523934). This variant has not been reported in the literature in individuals affected with CEP164-related conditions. This variant is present in population databases (rs377437628, gnomAD 0.01%). This sequence change replaces arginine, which is basic and polar, with tryptophan, which is neutral and slightly polar, at codon 776 of the CEP164 protein (p.Arg776Trp).

Institute of Human Genetics, Univ. Regensburg, Univ. Regensburg
Classification: Uncertain significance for Retinal dystrophy. Last evaluated: 2023-01-01. Review status: no assertion criteria provided. Criteria: ACMG Guidelines, 2015. Collection method: clinical testing. Allele origin: germline. Affected: yes. Not counted in ClinVar's aggregate classification.

NM_014956.5(CEP164):c.2326C>T (p.Arg776Trp)

Gene: CEP164 (centrosomal protein 164; plus strand). Cytogenetic location: 11q23.3.
Variant type: single nucleotide variant.
Coding change: c.2326C>T on transcript NM_014956.5 (MANE Select); coding-DNA position 2326, C replaced by T.
Protein change: p.Arg776Trp; replaces arginine 776 with tryptophan.
Molecular consequence: missense variant.
Genome position (GRCh38, 1-based): chr11:117,392,268, C>T. VCF-style: chr11-117392268-C-T. GRCh37 (hg19) VCF-style: chr11-117262984-C-T.
Other names: c.2326C>T (NM_014956.4); c.2335C>T, p.Arg779Trp (NM_001271933.2); short protein forms R776W, R779W.
Identifiers: ClinVar variation 1523934 (VCV001523934.7), dbSNP rs377437628, ClinGen allele CA6295028.